The following is an entry in ClinVar:

NM_021244.5(RRAGD):c.230C>T (p.Ser77Phe)

Gene: RRAGD (Ras related GTP binding D; minus strand). Cytogenetic location: 6q15.
Variant type: single nucleotide variant.
Coding change: c.230C>T on transcript NM_021244.5 (MANE Select); coding-DNA position 230, C replaced by T.
Protein change: p.Ser77Phe; replaces serine 77 with phenylalanine.
Molecular consequence: missense variant.
Genome position (GRCh38, 1-based): chr6:89,387,509, G>A on the plus strand (C>T on the coding strand, the complement: RRAGD is on the minus strand). VCF-style: chr6-89387509-G-A. GRCh37 (hg19) VCF-style: chr6-90097228-G-A.
Other names: short protein forms S77F.
Identifiers: ClinVar variation 3765496 (VCV003765496.1).
Genomic context (GRCh38, chr6:89,387,509, plus strand): 5'-GTGCTCTCCAAGAACAGAGTTTCGTTGGGAGACATTTTGTGAAAGACAACTTTCTGAATA[G>A]ACGACTTGCCGCTTCTCCTCAGGCCCATGAGCAGGATTCTCGGCTTCACTTCAGTGCTGA-3'
Protein context (NP_067067.1, residues 67-87): LMGLRRSGKS[Ser77Phe]IQKVVFHKMS

ClinVar aggregate classification (germline): Pathogenic (0 of 4 stars; one submission).

Conditions:
Hypomagnesemia 7, renal, with or without dilated cardiomyopathy (HOMG7). Identifiers: MedGen C5774266, MONDO:0859328, OMIM 620152.

Submission:

Molecular Physiology Group, Radboudumc
Classification: Pathogenic for Hypomagnesemia 7, renal, with or without dilated cardiomyopathy. Review status: no assertion criteria provided. Collection method: clinical testing. Allele origin: de novo. Affected: yes.
Comment: These phenotypes fit other heterozygous missense variants in RRAGD previously reported (PMID 34607910, 37188688, and 38372174) in autosomal dominant kidney hypomagnesemia with RRAGD variants (ADKH-RRAGD, OMIM: 620152) indicating this variant is highly likely to be associated with this disease. The variant is not present in gnomAD and has been identified as a de novo occurrence.

Literature cited by the submitters: PubMed 34607910; PubMed 37188688; PubMed 38372174.